The following is an entry in ClinVar:

ClinVar aggregate classification (germline): Uncertain significance (1 of 4 stars; one submission).

Allele frequency attached by ClinVar (database versions not stated): TOPMed 0.00001; gnomAD exomes below 0.00001; ExAC 0.00001; gnomAD 0.00001.
gnomAD v4.1: 2 of 1,613,898 alleles (0.00012%); highest among the groups gnomAD compares: Non-Finnish European, 0.00017%; no homozygotes.

Submission:

Labcorp Genetics (formerly Invitae), Labcorp
Classification: Uncertain significance. Last evaluated: 2023-07-26. Review status: criteria provided, single submitter. Criteria: Invitae Variant Classification Sherloc (09022015). Collection method: clinical testing. Allele origin: germline.
Comment: In summary, the available evidence is currently insufficient to determine the role of this variant in disease. Therefore, it has been classified as a Variant of Uncertain Significance. Advanced modeling of protein sequence and biophysical properties (such as structural, functional, and spatial information, amino acid conservation, physicochemical variation, residue mobility, and thermodynamic stability) performed at Invitae indicates that this missense variant is not expected to disrupt SLC13A3 protein function. This variant has not been reported in the literature in individuals affected with SLC13A3-related conditions. This variant is present in population databases (rs780471298, gnomAD 0.0009%). This sequence change replaces phenylalanine, which is neutral and non-polar, with tyrosine, which is neutral and polar, at codon 390 of the SLC13A3 protein (p.Phe390Tyr).

NM_022829.6(SLC13A3):c.1169T>A (p.Phe390Tyr)

Gene: SLC13A3 (solute carrier family 13 member 3; minus strand). Cytogenetic location: 20q13.12.
Variant type: single nucleotide variant.
Coding change: c.1169T>A on transcript NM_022829.6 (MANE Select); coding-DNA position 1169, T replaced by A.
Protein change: p.Phe390Tyr; replaces phenylalanine 390 with tyrosine.
Molecular consequence: missense variant.
Genome position (GRCh38, 1-based): chr20:46,583,622, A>T on the plus strand (T>A on the coding strand, the complement: SLC13A3 is on the minus strand). VCF-style: chr20-46583622-A-T. GRCh37 (hg19) VCF-style: chr20-45212261-A-T.
Other names: c.1028T>A, p.Phe343Tyr (NM_001011554.3); c.1019T>A, p.Phe340Tyr (NM_001193339.2); c.923T>A, p.Phe308Tyr (NM_001193340.2); c.875T>A, p.Phe292Tyr (NM_001193342.2); short protein forms F292Y, F343Y, F308Y, F340Y, F390Y.
Identifiers: ClinVar variation 2722811 (VCV002722811.3), dbSNP rs780471298, ClinGen allele CA9891376.